The following is an entry in ClinVar:

NM_000138.5(FBN1):c.4654G>A (p.Glu1552Lys)

Gene: FBN1 (fibrillin 1; minus strand). Cytogenetic location: 15q21.1.
Variant type: single nucleotide variant.
Coding change: c.4654G>A on transcript NM_000138.5 (MANE Select); coding-DNA position 4654, G replaced by A.
Protein change: p.Glu1552Lys; replaces glutamic acid 1552 with lysine.
Molecular consequence: missense variant.
Genome position (GRCh38, 1-based): chr15:48,468,031, C>T on the plus strand (G>A on the coding strand, the complement: FBN1 is on the minus strand). VCF-style: chr15-48468031-C-T. GRCh37 (hg19) VCF-style: chr15-48760228-C-T.
Other names: c.4654G>A, p.Glu1552Lys (NM_001406716.1); short protein forms E1552K.
Identifiers: ClinVar variation 3766278 (VCV003766278.1).

ClinVar aggregate classification (germline): Uncertain significance (1 of 4 stars; one submission).

Submission:

GeneDx
Classification: Uncertain significance. Last evaluated: 2024-08-26. Review status: criteria provided, single submitter. Criteria: GeneDx Variant Classification Process June 2021. Collection method: clinical testing. Allele origin: germline. Affected: yes.
Comment: Not observed at significant frequency in large population cohorts (gnomAD); In silico analysis supports that this missense variant has a deleterious effect on protein structure/function; Has not been previously published as pathogenic or benign to our knowledge; Does not affect a cysteine or calcium-binding residue within an EGF-like domain or a TGF-binding protein domain of the FBN1 gene; cysteine substitutions in the EGF-like domains represent the majority of pathogenic missense changes associated with FBN1-related disorders (PMID: 12938084); This variant is associated with the following publications: (PMID: 12938084)